The following is an entry in ClinVar:

ClinVar aggregate classification (germline): Pathogenic (1 of 4 stars; one submission).

Conditions:
Hereditary cancer-predisposing syndrome. Also called: Hereditary Cancer Syndrome; Hereditary neoplastic syndrome; Neoplastic Syndromes, Hereditary; Tumor predisposition. Identifiers: Orphanet 140162, MedGen C0027672, MeSH D009386, MONDO:0015356.

Submission:

Ambry Genetics
Classification: Pathogenic for Hereditary cancer-predisposing syndrome. Last evaluated: 2021-01-07. Review status: criteria provided, single submitter. Criteria: Ambry Variant Classification Scheme 2023. Collection method: clinical testing. Allele origin: germline.
Comment: The c.570delA pathogenic mutation, located in coding exon 3 of the CHEK2 gene, results from a deletion of one nucleotide at nucleotide position 570, causing a translational frameshift with a predicted alternate stop codon (p.L191Cfs*3). This alteration is expected to result in loss of function by premature protein truncation or nonsense-mediated mRNA decay. As such, this alteration is interpreted as a disease-causing mutation.

NM_007194.4(CHEK2):c.570del (p.Leu191fs)

Gene: CHEK2 (checkpoint kinase 2; minus strand). Cytogenetic location: 22q12.1.
Variant type: Deletion.
Coding change: c.570del on transcript NM_007194.4 (MANE Select); coding-DNA position 570, one base deleted (A; older notation c.570delA).
Protein change: p.Leu191fs; shifts the reading frame from leucine 191.
Molecular consequence: frameshift variant. On other transcripts: 5 prime UTR variant (2), intron variant (1).
Genome position (GRCh38, 1-based): chr22:28,724,999, T deleted on the plus strand (A on the coding strand, the reverse complement: CHEK2 is on the minus strand). VCF-style (leftmost placement, unchanged base first): chr22-28724998-GT-G. GRCh37 (hg19) VCF-style: chr22-29120986-GT-G.
Other names: c.699del, p.Leu234fs (NM_001005735.3, NM_001438294.1); c.-208del (NM_001257387.3); c.-94del (NM_001437942.1); c.663del, p.Leu222fs (NM_001438293.1, NM_001438295.1); c.570del, p.Leu191fs (NM_145862.3); c.445-76del (NM_001349956.3); short protein forms L234fs, L191fs, L222fs.
Identifiers: ClinVar variation 1749214 (VCV001749214.2), dbSNP rs2518050771, ClinGen allele CA2580099413.